The following is an entry in ClinVar:

NM_006506.5(RASA2):c.730G>T (p.Glu244Ter)

Gene: RASA2 (RAS p21 protein activator 2; plus strand). Cytogenetic location: 3q23.
Variant type: single nucleotide variant.
Coding change: c.730G>T on transcript NM_006506.5 (MANE Select); coding-DNA position 730, G replaced by T.
Protein change: p.Glu244Ter; replaces glutamic acid 244 with a stop codon.
Molecular consequence: nonsense.
Genome position (GRCh38, 1-based): chr3:141,558,931, G>T. VCF-style: chr3-141558931-G-T. GRCh37 (hg19) VCF-style: chr3-141277773-G-T.
Other names: c.730G>T, p.Glu244Ter (NM_001303245.3, NM_001303246.3); short protein forms E244*.
Identifiers: ClinVar variation 3729382 (VCV003729382.2).

ClinVar aggregate classification (germline): Uncertain significance (1 of 4 stars; one submission).

Submission:

Labcorp Genetics (formerly Invitae), Labcorp
Classification: Uncertain significance. Last evaluated: 2025-01-27. Review status: criteria provided, single submitter. Criteria: Invitae Variant Classification Sherloc (09022015). Collection method: clinical testing. Allele origin: germline.
Comment: This sequence change creates a premature translational stop signal (p.Glu244*) in the RASA2 gene. It is expected to result in an absent or disrupted protein product. However, the current clinical and genetic evidence is not sufficient to establish whether loss-of-function variants in RASA2 cause disease. This variant is not present in population databases (gnomAD no frequency). This variant has not been reported in the literature in individuals affected with RASA2-related conditions. In summary, the available evidence is currently insufficient to determine the role of this variant in disease. Therefore, it has been classified as a Variant of Uncertain Significance.